The following is an entry in ClinVar:

ClinVar aggregate classification (germline): Uncertain significance. Review status: criteria provided, multiple submitters, no conflicts (2 of 4 stars). 2 submissions from 2 submitters: Uncertain significance (2). Last evaluated 2025-12-19.

Conditions:
Dyskeratosis congenita. Identifiers: Orphanet 1775, MedGen C0265965, MONDO:0015780.
Inborn genetic diseases. Identifiers: MedGen C0950123, MeSH D030342.

Allele frequency attached by ClinVar (database versions not stated): gnomAD exomes 0.00002.
gnomAD v4.1: 21 of 1,553,450 alleles (0.0014%); highest among the groups gnomAD compares: Non-Finnish European, 0.0018%; no homozygotes.

Submissions (2):

Ambry Genetics
Classification: Uncertain significance for Inborn genetic diseases. Last evaluated: 2025-12-19. Review status: criteria provided, single submitter. Criteria: Ambry Variant Classification Scheme 2023. Collection method: clinical testing. Allele origin: germline.

Labcorp Genetics (formerly Invitae), Labcorp
Classification: Uncertain significance for Dyskeratosis congenita. Last evaluated: 2021-03-04. Review status: criteria provided, single submitter. Criteria: Invitae Variant Classification Sherloc (09022015). Collection method: clinical testing. Allele origin: germline.
Comment: In summary, the available evidence is currently insufficient to determine the role of this variant in disease. Therefore, it has been classified as a Variant of Uncertain Significance. Algorithms developed to predict the effect of missense changes on protein structure and function are either unavailable or do not agree on the potential impact of this missense change (SIFT: "Deleterious"; PolyPhen-2: "Probably Damaging"; Align-GVGD: "Class C0"). This variant has not been reported in the literature in individuals with CTC1-related conditions. This variant is not present in population databases (ExAC no frequency). This sequence change replaces serine with phenylalanine at codon 593 of the CTC1 protein (p.Ser593Phe). The serine residue is moderately conserved and there is a large physicochemical difference between serine and phenylalanine.

NM_025099.6(CTC1):c.1778C>T (p.Ser593Phe)

Gene: CTC1 (CST telomere replication complex component 1; minus strand). Cytogenetic location: 17p13.1.
Variant type: single nucleotide variant.
Coding change: c.1778C>T on transcript NM_025099.6 (MANE Select); coding-DNA position 1778, C replaced by T.
Protein change: p.Ser593Phe; replaces serine 593 with phenylalanine.
Molecular consequence: missense variant. On other transcripts: non-coding transcript variant (1).
Genome position (GRCh38, 1-based): chr17:8,234,495, G>A on the plus strand (C>T on the coding strand, the complement: CTC1 is on the minus strand). VCF-style: chr17-8234495-G-A. GRCh37 (hg19) VCF-style: chr17-8137813-G-A.
Other names: c.1778C>T (NM_025099.5); short protein forms S593F.
Identifiers: ClinVar variation 1389158 (VCV001389158.9), dbSNP rs767152748, ClinGen allele CA287535586.
Genomic context (GRCh38, chr17:8,234,495, plus strand): 5'-CCTGCTAGGGTCCCCCTTACCTGGGCTGGGCAGAAGGCAGAGGGCAGCAGACAGAGCCAG[G>A]ACCAAGCCAGGCGGCGATTGAGTTGGCAGCTGGGCAGGTAGGAGGCCTCCGGGAGGGGCA-3'
Protein context (NP_079375.3, residues 583-603): SCQLNRRLAW[Ser593Phe]WLCLLPSAFC